The following is an entry in ClinVar:

NM_014254.3(RXYLT1):c.508dup (p.Glu170fs)

Gene: RXYLT1 (ribitol xylosyltransferase 1; plus strand). Cytogenetic location: 12q14.2.
Variant type: Duplication.
Coding change: c.508dup on transcript NM_014254.3 (MANE Select); coding-DNA position 508, one base duplicated (G; older notation c.508dupG).
Protein change: p.Glu170fs; shifts the reading frame from glutamic acid 170.
Molecular consequence: frameshift variant. On other transcripts: 5 prime UTR variant (1).
Genome position (GRCh38, 1-based): chr12:63,802,170, G duplicated. VCF-style (leftmost placement, unchanged base first): chr12-63802169-A-AG. GRCh37 (hg19) VCF-style: chr12-64195949-A-AG.
Other names: c.-273dup (NM_001278237.2); short protein forms E170fs.
Identifiers: ClinVar variation 2772011 (VCV002772011.3), dbSNP rs2500519498, ClinGen allele CA2697559350.

ClinVar aggregate classification (germline): Pathogenic (1 of 4 stars; one submission).

Submission:

Labcorp Genetics (formerly Invitae), Labcorp
Classification: Pathogenic. Last evaluated: 2023-10-18. Review status: criteria provided, single submitter. Criteria: Invitae Variant Classification Sherloc (09022015). Collection method: clinical testing. Allele origin: germline.
Comment: This sequence change creates a premature translational stop signal (p.Glu170Glyfs*35) in the RXYLT1 gene. It is expected to result in an absent or disrupted protein product. Loss-of-function variants in RXYLT1 are known to be pathogenic (PMID: 23217329, 23519211, 31742715). This variant is not present in population databases (gnomAD no frequency). This variant has not been reported in the literature in individuals affected with RXYLT1-related conditions. For these reasons, this variant has been classified as Pathogenic.

Literature cited by the submitters: PubMed 23217329; PubMed 23519211; PubMed 31742715.